The following is an entry in ClinVar:

ClinVar aggregate classification (germline): Uncertain significance (1 of 4 stars; one submission).

Conditions:
Short-rib thoracic dysplasia 8 with or without polydactyly (SRTD8). Also called: SHORT-RIB THORACIC DYSPLASIA 8 WITH POLYDACTYLY. Identifiers: Orphanet 93271, MedGen C3809691, MONDO:0014214, OMIM 615503.

Allele frequency attached by ClinVar (database versions not stated): gnomAD exomes below 0.00001; gnomAD 0.00001; TOPMed 0.00001.
gnomAD v4.1: 32 of 1,613,730 alleles (0.002%); highest among the groups gnomAD compares: Non-Finnish European, 0.0026%; no homozygotes.

Submission:

Labcorp Genetics (formerly Invitae), Labcorp
Classification: Uncertain significance for Short-rib thoracic dysplasia 8 with or without polydactyly. Last evaluated: 2021-08-28. Review status: criteria provided, single submitter. Criteria: Invitae Variant Classification Sherloc (09022015). Collection method: clinical testing. Allele origin: germline.
Comment: Algorithms developed to predict the effect of missense changes on protein structure and function are either unavailable or do not agree on the potential impact of this missense change (SIFT: "Deleterious"; PolyPhen-2: "Possibly Damaging"; Align-GVGD: "Class C0"). In summary, the available evidence is currently insufficient to determine the role of this variant in disease. Therefore, it has been classified as a Variant of Uncertain Significance. This variant has not been reported in the literature in individuals affected with WDR60-related conditions. This variant is not present in population databases (ExAC no frequency). This sequence change replaces lysine with glutamine at codon 251 of the WDR60 protein (p.Lys251Gln). The lysine residue is weakly conserved and there is a small physicochemical difference between lysine and glutamine.

NM_018051.5(DYNC2I1):c.751A>C (p.Lys251Gln)

Gene: DYNC2I1 (dynein 2 intermediate chain 1; plus strand). Cytogenetic location: 7q36.3.
Variant type: single nucleotide variant.
Coding change: c.751A>C on transcript NM_018051.5 (MANE Select); coding-DNA position 751, A replaced by C.
Protein change: p.Lys251Gln; replaces lysine 251 with glutamine.
Molecular consequence: missense variant. On other transcripts: synonymous variant (1), 5 prime UTR variant (3).
Genome position (GRCh38, 1-based): chr7:158,879,861, A>C. VCF-style: chr7-158879861-A-C. GRCh37 (hg19) VCF-style: chr7-158672552-A-C.
Other names: c.613A>C, p.Lys205Gln (NM_001350914.2); c.234A>C, p.Thr78= (NM_001350915.2); c.-608A>C (NM_001350916.2); c.-616A>C (NM_001350917.2); c.-735A>C (NM_001350918.2); short protein forms K251Q, K205Q.
Identifiers: ClinVar variation 1680650 (VCV001680650.6), dbSNP rs1200188970, ClinGen allele CA370180603.